The following is an entry in ClinVar:

ClinVar aggregate classification (germline): Likely benign. Review status: criteria provided, multiple submitters, no conflicts (2 of 4 stars). 2 submissions from 2 submitters: Likely benign (2). Last evaluated 2022-08-25.

Conditions:
Fabry disease. Also called: HEREDITARY DYSTOPIC LIPIDOSIS; Ceramide trihexosidosis; Fabry's disease; Angiokeratoma corporis diffusum; ALPHA-GALACTOSIDASE A DEFICIENCY; ANDERSON-FABRY DISEASE. Identifiers: Orphanet 324, MedGen C0002986, MONDO:0010526, OMIM 301500, HP:0001071. Disease mechanism: Fabry disease is due to inactivating mutations in the X-linked GLA gene resulting in deficiency of the enzyme Alpha Galactosidase-A., loss of function.

Allele frequency attached by ClinVar (database versions not stated): gnomAD exomes below 0.00001; TOPMed below 0.00001; gnomAD 0.00001.
gnomAD v4.1: 2 of 1,208,439 alleles (0.00017%); highest among the groups gnomAD compares: Admixed American, 0.0022%; no homozygotes.

Submissions (2):

Labcorp Genetics (formerly Invitae), Labcorp
Classification: Likely benign for Fabry disease. Last evaluated: 2022-08-25. Review status: criteria provided, single submitter. Criteria: Invitae Variant Classification Sherloc (09022015). Collection method: clinical testing. Allele origin: germline.

GeneDx
Classification: Likely benign. Last evaluated: 2016-10-11. Review status: criteria provided, single submitter. Criteria: GeneDx Variant Classification (06012015). Collection method: clinical testing. Allele origin: germline. Affected: yes.
Comment: This variant is considered likely benign or benign based on one or more of the following criteria: it is a conservative change, it occurs at a poorly conserved position in the protein, it is predicted to be benign by multiple in silico algorithms, and/or has population frequency not consistent with disease.

NM_000169.3(GLA):c.1191T>C (p.Tyr397=)

Genes: GLA (galactosidase alpha; minus strand), RPL36A-HNRNPH2 (RPL36A-HNRNPH2 readthrough; plus strand). Cytogenetic location: Xq22.1.
Variant type: single nucleotide variant.
Coding change: c.1191T>C on transcript NM_000169.3 (MANE Select); coding-DNA position 1191, T replaced by C.
Protein change: p.Tyr397=; no amino-acid change (tyrosine 397 retained).
Molecular consequence: synonymous variant. On other transcripts: non-coding transcript variant (3), intron variant (2).
Genome position (GRCh38, 1-based): chrX:101,397,908, A>G on the plus strand (T>C on the coding strand, the complement: GLA is on the minus strand). VCF-style: chrX-101397908-A-G. GRCh37 (hg19) VCF-style: chrX-100652896-A-G.
Other names: c.1314T>C, p.Tyr438= (NM_001406747.1); c.300+2451A>G (NM_001199973.2); c.177+6086A>G (NM_001199974.2).
Identifiers: ClinVar variation 222156 (VCV000222156.9), dbSNP rs869312236, ClinGen allele CA352711.